The following is an entry in ClinVar:

NM_001042492.3(NF1):c.7870-1G>C

Gene: NF1 (neurofibromin 1; plus strand). Cytogenetic location: 17q11.2.
Variant type: single nucleotide variant.
Coding change: c.7870-1G>C on transcript NM_001042492.3 (MANE Select); the canonical splice acceptor site of the intron before coding-DNA position 7870, G replaced by C.
Molecular consequence: splice acceptor variant.
Genome position (GRCh38, 1-based): chr17:31,357,268, G>C. VCF-style: chr17-31357268-G-C. GRCh37 (hg19) VCF-style: chr17-29684286-G-C.
Other names: c.7807-1G>C (NM_000267.4).
Identifiers: ClinVar variation 1390743 (VCV001390743.8), dbSNP rs1567627138, ClinGen allele CA399018750.
Genomic context (GRCh38, chr17:31,357,268, plus strand): 5'-CAGATAACAATTCAGCCACAAAGTAAAAATGTTGTGTGTTTACTTTTTTGCATCTTGGCA[G>C]GCTACACTGGTAAAATATACCACAGATGAGTTTGATCAACGAATTCTTTATGAATACTTA-3'

ClinVar aggregate classification (germline): Pathogenic (1 of 4 stars; one submission).

Conditions:
Neurofibromatosis, type 1 (NF1). Also called: VON RECKLINGHAUSEN DISEASE; Neurofibromatosis, type I; NEUROFIBROMATOSIS, TYPE I, SOMATIC; Peripheral type neurofibromatosis. Identifiers: Orphanet 636, MedGen C0027831, MONDO:0018975, OMIM 162200. Disease mechanism: loss of function.

Submission:

Labcorp Genetics (formerly Invitae), Labcorp
Classification: Pathogenic for Neurofibromatosis, type 1. Last evaluated: 2021-03-21. Review status: criteria provided, single submitter. Criteria: Invitae Variant Classification Sherloc (09022015). Collection method: clinical testing. Allele origin: germline.
Comment: Algorithms developed to predict the effect of sequence changes on RNA splicing suggest that this variant may disrupt the consensus splice site, but this prediction has not been confirmed by published transcriptional studies. For these reasons, this variant has been classified as Pathogenic. Disruption of this splice site has been observed in individual(s) with clinical features of neurofibromatosis type 1 (Invitae). This variant is not present in population databases (ExAC no frequency). This sequence change affects an acceptor splice site in intron 52 of the NF1 gene. It is expected to disrupt RNA splicing. Variants that disrupt the donor or acceptor splice site typically lead to a loss of protein function (PMID: 16199547), and loss-of-function variants in NF1 are known to be pathogenic (PMID: 10712197, 23913538).

Literature cited by the submitters: PubMed 16199547; PubMed 10712197; PubMed 23913538.